The following is an entry in ClinVar:

ClinVar aggregate classification (germline): Likely pathogenic (1 of 4 stars; one submission).

Conditions:
KMT2B-related disorder. Also called: KMT2B-related disorders; KMT2B-related condition. Identifiers: MedGen CN381338.

Submission:

PreventionGenetics, part of Exact Sciences
Classification: Likely pathogenic for KMT2B-related condition. Last evaluated: 2025-04-17. Review status: criteria provided, single submitter. Criteria: ACMG Guidelines, 2015. Collection method: clinical testing. Allele origin: germline.
Comment: The KMT2B c.437-1G>T variant is predicted to disrupt the AG splice acceptor site and interfere with normal splicing. To our knowledge, this variant has not been reported in the literature or in a large population database (gnomAD), indicating this variant is rare. Variants that disrupt the consensus splice acceptor site in KMT2B are expected to be pathogenic. This variant is interpreted as likely pathogenic.

NM_014727.3(KMT2B):c.437-1G>T

Gene: KMT2B (lysine methyltransferase 2B; plus strand). Cytogenetic location: 19q13.12.
Variant type: single nucleotide variant.
Coding change: c.437-1G>T on transcript NM_014727.3 (MANE Select); the canonical splice acceptor site of the intron before coding-DNA position 437, G replaced by T.
Molecular consequence: splice acceptor variant.
Genome position (GRCh38, 1-based): chr19:35,719,783, G>T. VCF-style: chr19-35719783-G-T. GRCh37 (hg19) VCF-style: chr19-36210685-G-T.
Identifiers: ClinVar variation 5001463 (VCV005001463.1).